The following is an entry in ClinVar:

NM_182961.4(SYNE1):c.129+3A>G

Gene: SYNE1 (spectrin repeat containing nuclear envelope protein 1; minus strand). Cytogenetic location: 6q25.2.
Variant type: single nucleotide variant.
Coding change: c.129+3A>G on transcript NM_182961.4 (MANE Select); 3 bases into the intron after coding-DNA position 129, A replaced by G.
Molecular consequence: intron variant.
Genome position (GRCh38, 1-based): chr6:152,539,957, T>C on the plus strand (A>G on the coding strand, the complement: SYNE1 is on the minus strand). VCF-style: chr6-152539957-T-C. GRCh37 (hg19) VCF-style: chr6-152861092-T-C.
Other names: c.129+3A>G (NM_033071.5).
Identifiers: ClinVar variation 2186409 (VCV002186409.4), dbSNP rs751935761, ClinGen allele CA4059876.

ClinVar aggregate classification (germline): Uncertain significance (1 of 4 stars; one submission).

Conditions:
Emery-Dreifuss muscular dystrophy 4, autosomal dominant (EDMD4). Also called: EMERY-DREIFUSS MUSCULAR DYSTROPHY 4 WITH VARIABLE FEATURES. Identifiers: Orphanet 261, MedGen C2751807, MONDO:0013071, OMIM 612998.
Autosomal recessive ataxia, Beauce type. Also called: Spinocerebellar ataxia, autosomal recessive 8; ATAXIA, RECESSIVE, OF BEAUCE; SYNE1-Related Autosomal Recessive Cerebellar Ataxia; SYNE1 Deficiency. Identifiers: Orphanet 88644, MedGen C1853116, MONDO:0012549, OMIM 610743.

Allele frequency attached by ClinVar (database versions not stated): ExAC 0.00001; gnomAD exomes 0.00001.
gnomAD v4.1: 4 of 1,613,972 alleles (0.00025%); highest among the groups gnomAD compares: Non-Finnish European, 0.00034%; no homozygotes.

Submission:

Labcorp Genetics (formerly Invitae), Labcorp
Classification: Uncertain significance for Emery-Dreifuss muscular dystrophy 4, autosomal dominant; Autosomal recessive ataxia, Beauce type. Last evaluated: 2024-02-17. Review status: criteria provided, single submitter. Criteria: Invitae Variant Classification Sherloc (09022015). Collection method: clinical testing. Allele origin: germline.
Comment: This sequence change falls in intron 3 of the SYNE1 gene. It does not directly change the encoded amino acid sequence of the SYNE1 protein. It affects a nucleotide within the consensus splice site. This variant is present in population databases (rs751935761, gnomAD 0.002%). This variant has not been reported in the literature in individuals affected with SYNE1-related conditions. ClinVar contains an entry for this variant (Variation ID: 2186409). Variants that disrupt the consensus splice site are a relatively common cause of aberrant splicing (PMID: 17576681, 9536098). Algorithms developed to predict the effect of sequence changes on RNA splicing suggest that this variant may disrupt the consensus splice site. In summary, the available evidence is currently insufficient to determine the role of this variant in disease. Therefore, it has been classified as a Variant of Uncertain Significance.

Literature cited by the submitters: PubMed 17576681; PubMed 9536098.